The following is an entry in ClinVar:

NM_152490.5(B3GALNT2):c.875G>C (p.Arg292Pro)

Gene: B3GALNT2 (beta-1,3-N-acetylgalactosaminyltransferase 2; minus strand). Cytogenetic location: 1q42.3.
Variant type: single nucleotide variant.
Coding change: c.875G>C on transcript NM_152490.5 (MANE Select); coding-DNA position 875, G replaced by C.
Protein change: p.Arg292Pro; replaces arginine 292 with proline.
Molecular consequence: missense variant.
Genome position (GRCh38, 1-based): chr1:235,458,753, C>G on the plus strand (G>C on the coding strand, the complement: B3GALNT2 is on the minus strand). VCF-style: chr1-235458753-C-G. GRCh37 (hg19) VCF-style: chr1-235622061-C-G.
Other names: B3GALNT2, ARG292PRO; short protein forms R292P.
Identifiers: ClinVar variation 41935 (VCV000041935.3), dbSNP rs367543076, ClinGen allele CA231754.
Genomic context (GRCh38, chr1:235,458,753, plus strand): 5'-TCCTTCAGTAAGGCATCTTCCTCATGGAGATTCCTTATATGATCAATAAGTCTTTGAGGG[C>G]GAGAATGAAGGTTGTGTAAGAGAGCATCACCTTCTATAAAGGAAAAGTTGAGAGTTGGAG-3'
Protein context (NP_689703.1, residues 282-302): GDALLHNLHS[Arg292Pro]PQRLIDHIRN

ClinVar aggregate classification (germline): Pathogenic/Likely pathogenic. Review status: no assertion criteria provided (0 of 4 stars). 3 submissions from 3 submitters: Pathogenic (1); Likely pathogenic (1). 1 of the submissions does not count toward it. Last evaluated 2013-06-27.

Conditions:
Muscular dystrophy-dystroglycanopathy (congenital with brain and eye anomalies), type a, 11 (MDDGA11). Also called: Muscular dystrophy-dystroglycanopathy (congenital with brain and eye anomalies, type A, 11; WALKER-WARBURG SYNDROME OR MUSCLE-EYE-BRAIN DISEASE, B3GALNT2-RELATED; Congenital muscular dystrophy-dystroglycanopathy with brain and eye anomalies, type A11. Identifiers: Orphanet 588, Orphanet 899, MedGen C3554638, MONDO:0014071, OMIM 615181.

gnomAD v4.1: 15 of 1,600,244 alleles (0.00094%); highest among the groups gnomAD compares: Non-Finnish European, 0.0013%; no homozygotes.

Submissions (3):

ClinVar Staff, National Center for Biotechnology Information (NCBI)
Classification: Likely pathogenic for Congenital muscular dystrophy-dystroglycanopathy with brain and eye anomalies, type A11. Last evaluated: 2013-06-27. Review status: no assertion criteria provided. Collection method: literature only. Allele origin: germline. Affected: yes.

OMIM
Classification: Pathogenic for MUSCULAR DYSTROPHY-DYSTROGLYCANOPATHY (CONGENITAL WITH BRAIN AND EYE ANOMALIES), TYPE A, 11. Last evaluated: 2013-03-07. Review status: no assertion criteria provided. Collection method: literature only. Allele origin: germline.

Leiden Muscular Dystrophy pages (B3GALNT2)
No classification provided. Review status: no classification provided. Collection method: not provided. Allele origin: germline, unknown. Not counted in ClinVar's aggregate classification.
Comment: has functional consequence

Literature cited by the submitters: PubMed 23453667 (cited by ClinVar Staff, National Center for Biotechnology Information (NCBI) and OMIM).